The following is an entry in ClinVar:

NM_001330260.2(SCN8A):c.4774G>A (p.Val1592Ile)

Gene: SCN8A (sodium voltage-gated channel alpha subunit 8; plus strand). Cytogenetic location: 12q13.13.
Variant type: single nucleotide variant.
Coding change: c.4774G>A on transcript NM_001330260.2 (MANE Select); coding-DNA position 4774, G replaced by A.
Protein change: p.Val1592Ile; replaces valine 1592 with isoleucine.
Molecular consequence: missense variant.
Genome position (GRCh38, 1-based): chr12:51,794,620, G>A. VCF-style: chr12-51794620-G-A. GRCh37 (hg19) VCF-style: chr12-52188404-G-A.
Other names: c.4651G>A, p.Val1551Ile (NM_001177984.3, NM_001369788.1); c.4774G>A, p.Val1592Ile (NM_014191.4); short protein forms V1592I, V1551I.
Identifiers: ClinVar variation 530514 (VCV000530514.12), dbSNP rs587780454, ClinGen allele CA384879341.

ClinVar aggregate classification (germline): Conflicting classifications of pathogenicity. Review status: criteria provided, conflicting classifications (1 of 4 stars). 2 submissions from 2 submitters: Likely pathogenic (1); Likely benign (1). Last evaluated 2025-11-24.

Conditions:
Developmental and epileptic encephalopathy, 13 (DEE13). Also called: Early infantile epileptic encephalopathy 13; SCN8A-Related Epilepsy; Developmental and Epileptic Encephalopathy (SCN8A-DEE). Identifiers: Orphanet 442835, MedGen C3281191, MONDO:0013801, OMIM 614558.
Early-infantile DEE. Also called: Early infantile epileptic encephalopathy; Early infantile epileptic encephalopathy with suppression bursts; Ohtahara syndrome. Identifiers: Orphanet 1934, MedGen C0393706, MONDO:0800491.

Submissions (2):

Labcorp Genetics (formerly Invitae), Labcorp
Classification: Likely benign for Early-infantile DEE. Last evaluated: 2025-11-24. Review status: criteria provided, single submitter. Criteria: Invitae Variant Classification Sherloc (09022015). Collection method: clinical testing. Allele origin: germline.

Institute of Human Genetics, University of Leipzig Medical Center
Classification: Likely pathogenic for Developmental and epileptic encephalopathy, 13. Last evaluated: 2023-12-28. Review status: criteria provided, single submitter. Criteria: ACMG Guidelines, 2015. Collection method: clinical testing. Allele origin: de novo. Inheritance: Autosomal dominant inheritance. Affected: yes.
Comment: Criteria applied: PS2_MOD,PM5,PM2_SUP,PP2,PP3